The following is an entry in ClinVar:

ClinVar aggregate classification (germline): Benign (1 of 4 stars; one submission).

Conditions:
Multicentric carpo-tarsal osteolysis with or without nephropathy. Also called: Multicentric Osteolysis of Carpal Bones and Nephropathy; OSTEOLYSIS, HEREDITARY, OF CARPAL BONES WITH OR WITHOUT NEPHROPATHY; MULTICENTRIC CARPOTARSAL OSTEOLYSIS SYNDROME; MULTICENTRIC OSTEOLYSIS, AUTOSOMAL DOMINANT; Carnevale Canun Mendoza syndrome; Multicentric Carpotarsal Osteolysis with or without Nephropathy. Identifiers: Orphanet 2774, MedGen C2674705, MONDO:0008152, OMIM 166300.

Allele frequency attached by ClinVar (database versions not stated): gnomAD 0.00001 and 0.00024; TOPMed 0.00006; gnomAD exomes 0.00010; 1000 Genomes Project 30x 0.00141; 1000 Genomes Project 0.00180.
gnomAD v4.1: 42 of 206,848 alleles (0.02%); highest among the groups gnomAD compares: South Asian, 0.65%; 1 homozygote.

Submission:

Illumina Laboratory Services, Illumina
Classification: Benign for Multicentric carpo-tarsal osteolysis with or without nephropathy. Last evaluated: 2018-01-13. Review status: criteria provided, single submitter. Criteria: ICSL Variant Classification Criteria 13 December 2019. Collection method: clinical testing. Allele origin: germline.
Comment: This variant was observed in the ICSL laboratory as part of a predisposition screen in an ostensibly healthy population. It had not been previously curated by ICSL or reported in the Human Gene Mutation Database (HGMD: prior to June 1st, 2018), and was therefore a candidate for classification through an automated scoring system. Utilizing variant allele frequency, disease prevalence and penetrance estimates, and inheritance mode, an automated score was calculated to assess if this variant is too frequent to cause the disease. Based on the score and internal cut-off values, a variant classified as benign is not then subjected to further curation. The score for this variant resulted in a classification of benign for this disease.

NM_005461.5(MAFB):c.*1690G>A

Gene: MAFB (MAF bZIP transcription factor B; minus strand). Cytogenetic location: 20q12.
Variant type: single nucleotide variant.
Coding change: c.*1690G>A on transcript NM_005461.5 (MANE Select); 1690 bases downstream of the stop codon, G replaced by A.
Molecular consequence: 3 prime UTR variant.
Genome position (GRCh38, 1-based): chr20:40,686,189, C>T on the plus strand (G>A on the coding strand, the complement: MAFB is on the minus strand). VCF-style: chr20-40686189-C-T. GRCh37 (hg19) VCF-style: chr20-39314829-C-T.
Identifiers: ClinVar variation 899114 (VCV000899114.4), dbSNP rs369074467, ClinGen allele CA314858956.